The following is an entry in ClinVar:

ClinVar aggregate classification (germline): Likely benign. Review status: criteria provided, multiple submitters, no conflicts (2 of 4 stars). 2 submissions from 2 submitters: Likely benign (2). Last evaluated 2024-09-19.

Allele frequency attached by ClinVar (database versions not stated): ExAC 0.00013; 1000 Genomes Project 30x 0.00016; TOPMed 0.00017; 1000 Genomes Project 0.00020; gnomAD 0.00020; gnomAD exomes 0.00033; ESP Exome Variant Server 0.00038.
gnomAD v4.1: 510 of 1,613,964 alleles (0.032%); highest among the groups gnomAD compares: Middle Eastern, 0.05%; no homozygotes.

Submissions (2):

Blueprint Genetics
Classification: Likely benign. Last evaluated: 2024-09-19. Review status: criteria provided, single submitter. Criteria: ACMG Guidelines, 2015. Collection method: clinical testing. Allele origin: germline.

CeGaT Center for Human Genetics Tuebingen
Classification: Likely benign. Last evaluated: 2023-02-01. Review status: criteria provided, single submitter. Criteria: CeGaT Center For Human Genetics Tuebingen Variant Classification Criteria Version 2. Collection method: clinical testing. Allele origin: germline. Affected: yes. Observed: 1 variant allele.
Comment: ADAMTS3: BP4, BP7

NM_014243.3(ADAMTS3):c.1008G>A (p.Ala336=)

Gene: ADAMTS3 (ADAM metallopeptidase with thrombospondin type 1 motif 3; minus strand). Cytogenetic location: 4q13.3.
Variant type: single nucleotide variant.
Coding change: c.1008G>A on transcript NM_014243.3 (MANE Select); coding-DNA position 1008, G replaced by A.
Protein change: p.Ala336=; no amino-acid change (alanine 336 retained).
Molecular consequence: synonymous variant.
Genome position (GRCh38, 1-based): chr4:72,320,808, C>T on the plus strand (G>A on the coding strand, the complement: ADAMTS3 is on the minus strand). VCF-style: chr4-72320808-C-T. GRCh37 (hg19) VCF-style: chr4-73186525-C-T.
Identifiers: ClinVar variation 2654811 (VCV002654811.25), dbSNP rs138352532, ClinGen allele CA2957071.